The following is an entry in ClinVar:

NM_001159699.2(FHL1):c.841_844dup (p.Phe282fs)

Gene: FHL1 (four and a half LIM domains 1; plus strand). Cytogenetic location: Xq26.3.
Variant type: Duplication.
Coding change: c.841_844dup on transcript NM_001159699.2 (MANE Select); coding-DNA positions 841 to 844, 4 bases duplicated (GTTT; older notation c.841_844dupGTTT).
Protein change: p.Phe282fs; shifts the reading frame from phenylalanine 282.
Molecular consequence: frameshift variant. On other transcripts: 3 prime UTR variant (6), non-coding transcript variant (1).
Genome position (GRCh38, 1-based): chrX:136,209,975-136,209,978, GTTT duplicated; duplicating any 4 consecutive bases within chrX:136,209,972-136,209,978 gives the same sequence; the c. name uses the placement nearest the transcript's 3' end. VCF-style (leftmost placement, unchanged base first): chrX-136209971-C-CTTTG. GRCh37 (hg19) VCF-style: chrX-135292130-C-CTTTG.
Other names: c.*21_*24dup (NM_001330659.2, NM_001369326.1, NM_001369327.2 and 3 more transcripts); c.793_796dup, p.Phe266fs (NM_001369329.1, NM_001369330.1, NM_001369331.1 and 4 more transcripts); c.880_883dup, p.Phe295fs (NM_001159701.2); short protein forms F266fs, F282fs, F295fs.
Identifiers: ClinVar variation 598380 (VCV000598380.14), dbSNP rs1603273685, ClinGen allele CA913191014.
Genomic context (GRCh38, chrX:136,209,971, plus strand): 5'-ATCCTGGCACGACTACTGCTTCCACTGCAAAAAATGCTCCGTGAATCTGGCCAACAAGCG[C>CTTTG]TTTGTTTTCCACCAGGAGCAAGTGTATTGTCCCGACTGTGCCAAAAAGCTGTAAACTGAC-3'

ClinVar aggregate classification (germline): Pathogenic/Likely pathogenic. Review status: criteria provided, multiple submitters, no conflicts (2 of 4 stars). 2 submissions from 2 submitters: Pathogenic (1); Likely pathogenic (1). Last evaluated 2019-06-26.

Conditions:
X-linked myopathy with postural muscle atrophy. Also called: FHL1-Related Emery-Dreifuss Muscular Dystrophy, X-Linked. Identifiers: Orphanet 178461, MedGen C2678055, MONDO:0010401, OMIM 300696.

Submissions (2):

Labcorp Genetics (formerly Invitae), Labcorp
Classification: Pathogenic for X-linked myopathy with postural muscle atrophy. Last evaluated: 2019-06-26. Review status: criteria provided, single submitter. Criteria: Invitae Variant Classification Sherloc (09022015). Collection method: clinical testing. Allele origin: germline.
Comment: This sequence change results in a frameshift in the FHL1 gene (p.Phe266Cysfs*19). While this is not anticipated to result in nonsense mediated decay, it is expected to disrupt the last 15 amino acids of the FHL1 protein and extend the protein by an additional 3 amino acids. This variant is not present in population databases (ExAC no frequency). This variant has not been reported in the literature in individuals with FHL1-related conditions. ClinVar contains an entry for this variant (Variation ID: 598380). This variant results in an extension of the FHL1 protein. Other variant(s) that result in a similarly extended protein product (p.Cys273Leufs*11) have been determined to be pathogenic (PMID: 19716112, 24634512). This suggests that these extensions are likely to be causative of disease. For these reasons, this variant has been classified as Pathogenic.

Eurofins Ntd Llc (ga)
Classification: Likely pathogenic. Last evaluated: 2018-09-14. Review status: criteria provided, single submitter. Criteria: EGL ClinVar v180209 classification definitions. Collection method: clinical testing. Allele origin: germline. Observed: 1 variant allele, 1 hemizygote.

Literature cited by the submitters: PubMed 19716112 (cited by Labcorp Genetics (formerly Invitae), Labcorp); PubMed 24634512 (cited by Labcorp Genetics (formerly Invitae), Labcorp).